The following is an entry in ClinVar:

NM_001367805.3(KIF23):c.261A>T (p.Glu87Asp)

Gene: KIF23 (kinesin family member 23; plus strand). Cytogenetic location: 15q23.
Variant type: single nucleotide variant.
Coding change: c.261A>T on transcript NM_001367805.3 (MANE Select); coding-DNA position 261, A replaced by T.
Protein change: p.Glu87Asp; replaces glutamic acid 87 with aspartic acid.
Molecular consequence: missense variant. On other transcripts: non-coding transcript variant (2).
Genome position (GRCh38, 1-based): chr15:69,421,697, A>T. VCF-style: chr15-69421697-A-T. GRCh37 (hg19) VCF-style: chr15-69714036-A-T.
Other names: c.68A>T, p.Asn23Ile (NM_001281301.2); c.261A>T, p.Glu87Asp (NM_001367804.2, NM_004856.7, NM_138555.4); short protein forms E87D, N23I.
Identifiers: ClinVar variation 4808546 (VCV004808546.1).

ClinVar aggregate classification (germline): Uncertain significance (1 of 4 stars; one submission).

Submission:

Labcorp Genetics (formerly Invitae), Labcorp
Classification: Uncertain significance. Last evaluated: 2025-12-03. Review status: criteria provided, single submitter. Criteria: Invitae Variant Classification Sherloc (09022015). Collection method: clinical testing. Allele origin: germline.
Comment: This sequence change replaces glutamic acid, which is acidic and polar, with aspartic acid, which is acidic and polar, at codon 87 of the KIF23 protein (p.Glu87Asp). This variant is not present in population databases (gnomAD no frequency). This variant has not been reported in the literature in individuals affected with KIF23-related conditions. Invitae Evidence Modeling of protein sequence and biophysical properties (such as structural, functional, and spatial information, amino acid conservation, physicochemical variation, residue mobility, and thermodynamic stability) indicates that this missense variant is not expected to disrupt KIF23 protein function with a negative predictive value of 80%. In summary, the available evidence is currently insufficient to determine the role of this variant in disease. Therefore, it has been classified as a Variant of Uncertain Significance.